The following is an entry in ClinVar:

NM_000038.6(APC):c.2404G>C (p.Asp802His)

Gene: APC (APC regulator of WNT signaling pathway; plus strand). Cytogenetic location: 5q22.2.
Variant type: single nucleotide variant.
Coding change: c.2404G>C on transcript NM_000038.6 (MANE Select); coding-DNA position 2404, G replaced by C.
Protein change: p.Asp802His; replaces aspartic acid 802 with histidine.
Molecular consequence: missense variant. On other transcripts: non-coding transcript variant (2).
Genome position (GRCh38, 1-based): chr5:112,837,998, G>C. VCF-style: chr5-112837998-G-C. GRCh37 (hg19) VCF-style: chr5-112173695-G-C.
Other names: c.2404G>C, p.Asp802His (NM_001127510.3, NM_001354895.2, NM_001407450.1); c.2350G>C, p.Asp784His (NM_001127511.3); c.2458G>C, p.Asp820His (NM_001354896.2, NM_001407447.1, NM_001407448.1 and 1 more transcripts); c.2434G>C, p.Asp812His (NM_001354897.2); c.2329G>C, p.Asp777His (NM_001354898.2); c.2320G>C, p.Asp774His (NM_001354899.2); c.2281G>C, p.Asp761His (NM_001354900.2); c.2227G>C, p.Asp743His (NM_001354901.2, NM_001407453.1); and 11 more; short protein forms D418H, D519H, D642H, D673H, D676H, D701H, D711H, D719H.
Identifiers: ClinVar variation 2662021 (VCV002662021.1), dbSNP rs79853077, ClinGen allele CA16026616.

ClinVar aggregate classification (germline): Uncertain significance (1 of 4 stars; one submission).

Submission:

GeneDx
Classification: Uncertain significance. Last evaluated: 2023-04-05. Review status: criteria provided, single submitter. Criteria: GeneDx Variant Classification Process June 2021. Collection method: clinical testing. Allele origin: germline. Affected: yes.
Comment: Not observed at significant frequency in large population cohorts (gnomAD); In silico analysis supports that this missense variant has a deleterious effect on protein structure/function; Has not been previously published as pathogenic or benign to our knowledge